The following is an entry in ClinVar:

ClinVar aggregate classification (germline): Pathogenic. Review status: criteria provided, multiple submitters, no conflicts (2 of 4 stars). 15 submissions from 15 submitters: Pathogenic (13). 2 of the submissions do not count toward it. Last evaluated 2026-01-28.

Conditions:
Familial adenomatous polyposis 1 (FAP1). Also called: POLYPOSIS, ADENOMATOUS INTESTINAL; FAMILIAL ADENOMATOUS POLYPOSIS 1, ATTENUATED. Identifiers: MedGen C2713442, MONDO:0021056, OMIM 175100. Disease mechanism: loss of function.
Desmoid disease, hereditary (DESMD). Also called: FIBROMATOSIS, FAMILIAL INFILTRATIVE. Identifiers: Orphanet 873, MedGen C1851124, OMIM 135290. Disease mechanism: loss of function.
Hepatocellular carcinoma (HCC). Also called: Primary carcinoma of liver; HEPATOMA; LIVER CELL CARCINOMA. Identifiers: Orphanet 88673, MedGen C2239176, MONDO:0007256, OMIM 114550, HP:0001402.
Gastric adenocarcinoma and proximal polyposis of the stomach (GAPPS). Also called: Polyposis, gastric, Dos Santos and de Magalhaes 1980; Gastric Adenocarcinoma and Proximal Polyposis of the Stomach (GAPPS); POLYPOSIS, GASTRIC. Identifiers: Orphanet 314022, MedGen C4749917, MONDO:0017790, OMIM 619182.
Gastric cancer. Also called: Stomach cancer; Malignant tumor of stomach. Identifiers: MedGen C0024623, MeSH D013274, MONDO:0001056, OMIM 613659, HP:0012126.
Colorectal cancer. Also called: Malignant Colorectal Neoplasm; Colorectal cancer, somatic. Identifiers: MedGen C0346629, MONDO:0005575, OMIM 114500.
APC-related disorder. Also called: APC-related condition.
Inherited polyposis and early onset colorectal cancer - germline testing.
Hereditary cancer-predisposing syndrome. Also called: Tumor predisposition; Neoplastic Syndromes, Hereditary; Hereditary Cancer Syndrome; Hereditary neoplastic syndrome. Identifiers: Orphanet 140162, MedGen C0027672, MeSH D009386, MONDO:0015356.
Familial multiple polyposis syndrome (FAP). Also called: Familial intestinal polyposis; Familial Adenomatous Polyposis (FAP); Familial polyposis; Classic familial adenomatous polyposis; Familial adenomatous polyposis. Identifiers: Orphanet 733, MedGen C0032580, MONDO:0021055. Disease mechanism: loss of function.

gnomAD v4.1: 1 of 1,614,068 alleles (0.000062%); highest among the groups gnomAD compares: Non-Finnish European, 0.000085%; no homozygotes.

Submissions 1 to 7 of 15:

Labcorp Genetics (formerly Invitae), Labcorp
Classification: Pathogenic for Familial adenomatous polyposis 1. Last evaluated: 2026-01-28. Review status: criteria provided, single submitter. Criteria: Invitae Variant Classification Sherloc (09022015). Collection method: clinical testing. Allele origin: germline.
Comment: This sequence change creates a premature translational stop signal (p.Arg332*) in the APC gene. It is expected to result in an absent or disrupted protein product. Loss-of-function variants in APC are known to be pathogenic (PMID: 17963004, 20685668). This variant is not present in population databases (gnomAD no frequency). This premature translational stop signal has been observed in individual(s) with familial adenomatous polyposis (FAP) and attenuated familial adenomatous polyposis (AFAP) (PMID: 9585611, 11748858, 17411426, 19531215, 25559809). ClinVar contains an entry for this variant (Variation ID: 184937). For these reasons, this variant has been classified as Pathogenic.

Ambry Genetics
Classification: Pathogenic for Hereditary cancer-predisposing syndrome. Last evaluated: 2025-04-21. Review status: criteria provided, single submitter. Criteria: Ambry Variant Classification Scheme 2023. Collection method: clinical testing. Allele origin: germline.
Comment: The p.R332* pathogenic mutation (also known as c.994C>T), located in coding exon 9 of the APC gene, results from a C to T substitution at nucleotide position 994. This changes the amino acid from an arginine to a stop codon within coding exon 9. This mutation has been identified in many patients diagnosed with FAP or AFAP from various ethnicities (Soravia et al. Am J Hum Genet. 1998. 62:1290-1301; Gomez-Fernandez N et al. BMC Med Genet. 2009 Jun 16;10:57; Friedl W & Aretz S. Hered Cancer Clin Pract. 2005 Sep 15;3(3):95-114; Chubb D et al. J. Clin. Oncol. 2015 Feb;33(5):426-32). This variant is considered to be rare based on population cohorts in the Genome Aggregation Database (gnomAD). In addition to the clinical data presented in the literature, this alteration is expected to result in loss of function by premature protein truncation or nonsense-mediated mRNA decay. As such, this alteration is interpreted as a disease-causing mutation.

ARUP Laboratories, Molecular Genetics and Genomics, ARUP Laboratories
Classification: Pathogenic. Last evaluated: 2025-01-02. Review status: criteria provided, single submitter. Criteria: ARUP Molecular Germline Variant Investigation Process 2024. Collection method: clinical testing. Allele origin: germline.
Comment: The APC c.994C>T; p.Arg332Ter variant (rs775126020) is reported in the literature in multiple individuals affected with familial adenomatous polyposis (FAP) and attenuated FAP (Aceto 2005, Cao 2000, Friedl 2005, Gomez-Fernandez 2009, Hutter 2001, Lamlum 2000, Rivera 2011, Sieber 2006, Soravia 1998, Stekrova 2007). This variant is reported in ClinVar (Variation ID: 184937), and is absent from the Genome Aggregation Database, indicating it is not a common polymorphism. This variant induces an early termination codon and is predicted to result in a truncated protein or mRNA subject to nonsense-mediated decay. The vast majority of pathogenic APC variants are truncating nonsense or frameshift variants (see InSiGHt, Kerr 2013). Based on available information, this variant is considered to be pathogenic. References: Aceto G et al. Mutations of APC and MYH in unrelated Italian patients with adenomatous polyposis coli. Hum Mutat. 2005 Oct;26(4):394. Cao X et al. APC mutation and phenotypic spectrum of Singapore familial adenomatous polyposis patients. Eur J Hum Genet. 2000 Jan;8(1):42-8. Friedl W and Aretz S. Familial adenomatous polyposis: experience from a study of 1164 unrelated german polyposis patients. Hered Cancer Clin Pract. 2005 Sep 15;3(3):95-114. Gomez-Fernandez N et al. Molecular analysis of the APC and MUTYH genes in Galician and Catalonian FAP families: a different spectrum of mutations? BMC Med Genet. 2009 Jun 16;10:57. Hutter P et al. Molecular and clinical characteristics in 32 families affected with familial adenomatous polyposis. Hum Mutat. 2001 Dec;18(6):550. Kerr SE et al. APC germline mutations in individuals being evaluated for familial adenomatous polyposis: a review of the Mayo Clinic experience with 1591 consecutive tests. J Mol Diagn. 2013 Jan;15(1):31-43. Lamlum H et al. Germline APC variants in patients with multiple colorectal adenomas, with evidence for the particular importance of E1317Q. Hum Mol Genet. 2000 Sep 22;9(15):2215-21. Rivera B et al. Clinical and genetic characterization of classical forms of familial adenomatous polyposis: a Spanish population study. Ann Oncol. 2011 Apr;22(4):903-9. Sieber OM et al. Disease severity and genetic pathways in attenuated familial adenomatous polyposis vary greatly but depend on the site of the germline mutation. Gut. 2006 Oct;55(10):1440-8. Soravia C et al. Genotype-phenotype correlations in attenuated adenomatous polyposis coli. Am J Hum Genet. 1998 Jun;62(6):1290-301. Stekrova J et al. Novel APC mutations in Czech and Slovak FAP families: clinical and genetic aspects. BMC Med Genet. 2007 Apr 5;8:16.

GeneDx
Classification: Pathogenic. Last evaluated: 2024-07-23. Review status: criteria provided, single submitter. Criteria: GeneDx Variant Classification Process June 2021. Collection method: clinical testing. Allele origin: germline. Affected: yes.
Comment: Nonsense variant predicted to result in protein truncation or nonsense mediated decay in a gene for which loss of function is a known mechanism of disease; Observed in individuals with APC-related phenotypes (PMID: 9585611, 10094557, 11748858, 20223039, 16461775, 25559809); Not observed at significant frequency in large population cohorts (gnomAD); This variant is associated with the following publications: (PMID: 34326862, 28010732, 30072583, 16461775, 1646175, 11001924, 20223039, 20924072, 16134147, 17411426, 11748858, 19531215, 23159591, 25559809, 22987206, 11317365, 11960572, 19793053, 22425061, 20105204, 25525159, 9585611, 28790112, 29691710, 10094557, 31461190, 33468868, 33294277, 36225625, 33309985, 33664379)

Genomics and Molecular Medicine Service, East Genomic Laboratory Hub, NHS Genomic Medicine Service
Classification: Pathogenic for Inherited polyposis and early onset colorectal cancer - germline testing. Last evaluated: 2024-05-29. Review status: criteria provided, single submitter. Criteria: ACGS Best Practice Guidelines for Variant Classification in Rare Disease 2020. Collection method: clinical testing. Allele origin: germline. Affected: yes.
Comment: PVS1,PS4_Moderate,PM2_Supporting

Color Diagnostics, LLC DBA Color Health
Classification: Pathogenic for Hereditary cancer-predisposing syndrome. Last evaluated: 2023-12-11. Review status: criteria provided, single submitter. Criteria: ACMG Guidelines, 2015. Collection method: clinical testing. Allele origin: germline.
Comment: This variant changes 1 nucleotide in exon 10 of the APC gene, creating a premature translation stop signal. This variant is expected to result in an absent or non-functional protein product. This variant has been reported in individuals and families affected with familial adenomatous polyposis, attenuated familial adenomatous polyposis, and colorectal cancer (PMID: 9585611, 10713886, 11001924, 11748858, 11317365, 16461775, 17411426, 19531215, 20223039, 23159591, 25590978). This variant has not been identified in the general population by the Genome Aggregation Database (gnomAD). Loss of APC function is a known mechanism of disease. Based on the available evidence, this variant is classified as Pathogenic.

Myriad Genetics, Inc.
Classification: Pathogenic for Familial adenomatous polyposis 1. Last evaluated: 2023-04-28. Review status: criteria provided, single submitter. Criteria: Myriad Autosomal Dominant, Autosomal Recessive and X-Linked Classification Criteria (2023). Collection method: clinical testing. Allele origin: unknown.
Comment: This variant is considered pathogenic. This variant creates a termination codon and is predicted to result in premature protein truncation.

NM_000038.6(APC):c.994C>T (p.Arg332Ter)

Gene: APC (APC regulator of Wnt signaling pathway; plus strand). Cytogenetic location: 5q22.2.
Variant type: single nucleotide variant.
Coding change: c.994C>T on transcript NM_000038.6 (MANE Select); coding-DNA position 994, C replaced by T.
Protein change: p.Arg332Ter; replaces arginine 332 with a stop codon.
Molecular consequence: nonsense. On other transcripts: intron variant (4).
Genome position (GRCh38, 1-based): chr5:112,819,026, C>T. VCF-style: chr5-112819026-C-T. GRCh37 (hg19) VCF-style: chr5-112154723-C-T.
Other names: c.994C>T (LRG_130t1); c.994C>T, p.Arg332Ter (NM_001127510.3, NM_001354895.2, NM_001354896.2); c.940C>T, p.Arg314Ter (NM_001127511.3); c.1024C>T, p.Arg342Ter (NM_001354897.2); c.919C>T, p.Arg307Ter (NM_001354898.2); c.910C>T, p.Arg304Ter (NM_001354899.2); c.817C>T, p.Arg273Ter (NM_001354900.2, NM_001354901.2); c.145C>T, p.Arg49Ter (NM_001354906.2); and 4 more; short protein forms R314*, R332*, R304*, R342*, R273*, R307*, R49*.
Identifiers: ClinVar variation 184937 (VCV000184937.87), dbSNP rs775126020, ClinGen allele CA016038.
Genomic context (GRCh38, chr5:112,819,026, plus strand): 5'-GTGGAAATGGTGTATTCATTGTTGTCAATGCTTGGTACTCATGATAAGGATGATATGTCG[C>T]GAACTTTGCTAGCTATGTCTAGCTCCCAAGACAGCTGTATATCCATGCGACAGTCTGGAT-3'